The following is an entry in ClinVar:

ClinVar aggregate classification (germline): Uncertain significance (1 of 4 stars; one submission).

Conditions:
Cohen syndrome (COH1). Also called: PEPPER SYNDROME; Cutis verticis gyrata, retinitis pigmentosa, and sensorineural deafness. Identifiers: Orphanet 193, MedGen C0265223, MONDO:0008999, OMIM 216550.

Allele frequency attached by ClinVar (database versions not stated): gnomAD exomes below 0.00001.
gnomAD v4.1: 1 of 1,613,540 alleles (0.000062%); highest among the groups gnomAD compares: South Asian, 0.0011%; no homozygotes.

Submission:

Labcorp Genetics (formerly Invitae), Labcorp
Classification: Uncertain significance for Cohen syndrome. Last evaluated: 2020-08-16. Review status: criteria provided, single submitter. Criteria: Invitae Variant Classification Sherloc (09022015). Collection method: clinical testing. Allele origin: germline.
Comment: In summary, the available evidence is currently insufficient to determine the role of this variant in disease. Therefore, it has been classified as a Variant of Uncertain Significance. Algorithms developed to predict the effect of missense changes on protein structure and function are either unavailable or do not agree on the potential impact of this missense change (SIFT: "Not Available"; PolyPhen-2: "Possibly Damaging"; Align-GVGD: "Not Available"). This variant has not been reported in the literature in individuals with VPS13B-related conditions. This variant is not present in population databases (ExAC no frequency). This sequence change replaces phenylalanine with leucine at codon 466 of the VPS13B protein (p.Phe466Leu). The phenylalanine residue is weakly conserved and there is a small physicochemical difference between phenylalanine and leucine.

NM_152564.5(VPS13B):c.1396T>C (p.Phe466Leu)

Gene: VPS13B (vacuolar protein sorting 13 homolog B; plus strand). Cytogenetic location: 8q22.2.
Variant type: single nucleotide variant.
Coding change: c.1396T>C on transcript NM_152564.5 (MANE Select); coding-DNA position 1396, T replaced by C.
Protein change: p.Phe466Leu; replaces phenylalanine 466 with leucine.
Molecular consequence: missense variant.
Genome position (GRCh38, 1-based): chr8:99,135,108, T>C. VCF-style: chr8-99135108-T-C. GRCh37 (hg19) VCF-style: chr8-100147336-T-C.
Other names: c.1396T>C, p.Phe466Leu (NM_015243.3, NM_017890.5); short protein forms F466L.
Identifiers: ClinVar variation 1055762 (VCV001055762.7), dbSNP rs2132555298, ClinGen allele CA371863001.